The following is an entry in ClinVar:

ClinVar aggregate classification (germline): Benign (3 of 4 stars; one submission).

Conditions:
Breast-ovarian cancer, familial, susceptibility to, 1 (BROVCA1). Also called: BRCA1 Hereditary Breast and Ovarian Cancer; OVARIAN CANCER, SUSCEPTIBILITY TO. Identifiers: Orphanet 145, MedGen C2676676, MONDO:0011450, OMIM 604370. Disease mechanism: loss of function.

Allele frequency attached by ClinVar (database versions not stated): TOPMed 0.05997; 1000 Genomes Project 30x 0.06215; 1000 Genomes Project 0.06430; gnomAD 0.06835 and 0.07076.
gnomAD v4.1: 10,641 of 150,736 alleles (7.1%); highest among the groups gnomAD compares: South Asian, 12%; 442 homozygotes.

Submission:

Evidence-based Network for the Interpretation of Germline Mutant Alleles (ENIGMA)
Classification: Benign for Breast-ovarian cancer, familial 1. Last evaluated: 2015-01-12. Review status: reviewed by expert panel. Criteria: ENIGMA BRCA1/2 Classification Criteria (2015). Collection method: curation. Allele origin: germline.
Comment: Class 1 not pathogenic based on frequency >1% in an outbred sampleset. Frequency 0.08566 (Asian), 0.03862 (African), 0.07784 (European), derived from 1000 genomes (2012-04-30).

NM_007294.4(BRCA1):c.5074+878G>A

Gene: BRCA1 (BRCA1 DNA repair associated; minus strand). Cytogenetic location: 17q21.31.
Variant type: single nucleotide variant.
Coding change: c.5074+878G>A on transcript NM_007294.4 (MANE Select); 878 bases into the intron after coding-DNA position 5074, G replaced by A.
Molecular consequence: intron variant.
Genome position (GRCh38, 1-based): chr17:43,066,730, C>T on the plus strand (G>A on the coding strand, the complement: BRCA1 is on the minus strand). VCF-style: chr17-43066730-C-T. GRCh37 (hg19) VCF-style: chr17-41218747-C-T.
Other names: IVS 17+878G>A; c.1621+878G>A (NM_001408458.1, NM_001408461.1, NM_001408464.1 and 7 more transcripts); c.4183+878G>A (NM_001407967.1); c.4693+878G>A (NM_001407959.1); c.4807+878G>A (NM_001407931.1, NM_001407932.1, NM_001407928.1 and 4 more transcripts); c.4930+878G>A (NM_001407747.1, NM_001407745.1, NM_001407737.1 and 21 more transcripts); c.4690+878G>A (NM_001407962.1, NM_001407960.1); c.1261+878G>A (NM_001408512.1); and 72 more.
Identifiers: ClinVar variation 209344 (VCV000209344.2), dbSNP rs8176237, ClinGen allele CA276316.